The following is an entry in ClinVar:

NM_000093.5(COL5A1):c.4387C>G (p.Pro1463Ala)

Gene: COL5A1 (collagen type V alpha 1 chain; plus strand). Cytogenetic location: 9q34.3.
Variant type: single nucleotide variant.
Coding change: c.4387C>G on transcript NM_000093.5 (MANE Select); coding-DNA position 4387, C replaced by G.
Protein change: p.Pro1463Ala; replaces proline 1463 with alanine.
Molecular consequence: missense variant.
Genome position (GRCh38, 1-based): chr9:134,818,896, C>G. VCF-style: chr9-134818896-C-G. GRCh37 (hg19) VCF-style: chr9-137710742-C-G.
Other names: c.4387C>G, p.Pro1463Ala (NM_001278074.1); short protein forms P1463A.
Identifiers: ClinVar variation 2959200 (VCV002959200.3), dbSNP rs868714229, ClinGen allele CA375457446.

ClinVar aggregate classification (germline): Uncertain significance (1 of 4 stars; one submission).

Conditions:
Ehlers-Danlos syndrome, classic type, 1 (EDSCL1). Also called: EDS I; EHLERS-DANLOS SYNDROME, GRAVIS TYPE; EHLERS-DANLOS SYNDROME, SEVERE CLASSIC TYPE; Ehlers-Danlos syndrome, type 1; Ehlers-Danlos Syndrome, Classic Type, COL5A1-Related. Identifiers: MedGen C0268335, MONDO:0019567, OMIM 130000.

Submission:

Labcorp Genetics (formerly Invitae), Labcorp
Classification: Uncertain significance for Ehlers-Danlos syndrome, classic type, 1. Last evaluated: 2023-07-30. Review status: criteria provided, single submitter. Criteria: Invitae Variant Classification Sherloc (09022015). Collection method: clinical testing. Allele origin: germline.
Comment: This sequence change replaces proline, which is neutral and non-polar, with alanine, which is neutral and non-polar, at codon 1463 of the COL5A1 protein (p.Pro1463Ala). This variant is not present in population databases (gnomAD no frequency). This variant has not been reported in the literature in individuals affected with COL5A1-related conditions. Advanced modeling of protein sequence and biophysical properties (such as structural, functional, and spatial information, amino acid conservation, physicochemical variation, residue mobility, and thermodynamic stability) has been performed at Invitae for this missense variant, however the output from this modeling did not meet the statistical confidence thresholds required to predict the impact of this variant on COL5A1 protein function. In summary, the available evidence is currently insufficient to determine the role of this variant in disease. Therefore, it has been classified as a Variant of Uncertain Significance.